The following is an entry in ClinVar:

ClinVar aggregate classification (germline): Uncertain significance (1 of 4 stars; one submission).

Submission:

GeneDx
Classification: Uncertain significance. Last evaluated: 2018-05-23. Review status: criteria provided, single submitter. Criteria: GeneDx Variant Classification (06012015). Collection method: clinical testing. Allele origin: germline. Affected: yes.
Comment: The A3268V variant has not been published as a pathogenic variant, nor has it been reported as a benign variant to our knowledge. The A3268V variant is not observed in large population cohorts (Lek et al., 2016). This variant is a conservative amino acid substitution, which is not likely to impact secondary protein structure as these residues share similar properties. In-silico analyses, including protein predictors and evolutionary conservation, support that this variant does not alter protein structure/function.

NM_003482.4(KMT2D):c.9803C>T (p.Ala3268Val)

Gene: KMT2D (lysine methyltransferase 2D; minus strand). Cytogenetic location: 12q13.12.
Variant type: single nucleotide variant.
Coding change: c.9803C>T on transcript NM_003482.4 (MANE Select); coding-DNA position 9803, C replaced by T.
Protein change: p.Ala3268Val; replaces alanine 3268 with valine.
Molecular consequence: missense variant.
Genome position (GRCh38, 1-based): chr12:49,037,553, G>A on the plus strand (C>T on the coding strand, the complement: KMT2D is on the minus strand). VCF-style: chr12-49037553-G-A. GRCh37 (hg19) VCF-style: chr12-49431336-G-A.
Other names: short protein forms A3268V.
Identifiers: ClinVar variation 546507 (VCV000546507.2), dbSNP rs1555190288, ClinGen allele CA384736127.
Genomic context (GRCh38, chr12:49,037,553, plus strand): 5'-GCAGACAGTAGGGAATGCTGCTGCTGCTGTTGCTGCTGCTGCTGGGCAGGCTGCAACTGT[G>A]CTGAAAGCTGCTGCTTCTTCTGCAGCTCCTTCTTCTCATGCTCCAACAGGTCCTCAATGA-3'
Protein context (NP_003473.3, residues 3258-3278): KELQKKQQLS[Ala3268Val]QLQPAQQQQQ